The following is an entry in ClinVar:

NM_016180.5(SLC45A2):c.179T>G (p.Leu60Arg)

Gene: SLC45A2 (solute carrier family 45 member 2; minus strand). Cytogenetic location: 5p13.2.
Variant type: single nucleotide variant.
Coding change: c.179T>G on transcript NM_016180.5 (MANE Select); coding-DNA position 179, T replaced by G.
Protein change: p.Leu60Arg; replaces leucine 60 with arginine.
Molecular consequence: missense variant.
Genome position (GRCh38, 1-based): chr5:33,984,405, A>C on the plus strand (T>G on the coding strand, the complement: SLC45A2 is on the minus strand). VCF-style: chr5-33984405-A-C. GRCh37 (hg19) VCF-style: chr5-33984510-A-C.
Other names: c.179T>G, p.Leu60Arg (NM_001012509.4, NM_001297417.4); c.179T>G (NM_016180.4); short protein forms L60R.
Identifiers: ClinVar variation 3339534 (VCV003339534.2).
Genomic context (GRCh38, chr5:33,984,405, plus strand): 5'-AGGATGGGGCTGAGGAACCACACAATGCTGTACAGGCTGCTGGGCAGACCTACGCTGAGC[A>C]GGACTGGGGTCACATACGCTGCCTCCACCGCGTAGCAGAACTCTCTTCCGAACATGGCCA-3'
Protein context (NP_057264.4, residues 50-70): AVEAAYVTPV[Leu60Arg]LSVGLPSSLY

ClinVar aggregate classification (germline): Conflicting classifications of pathogenicity. Review status: criteria provided, conflicting classifications (1 of 4 stars). 2 submissions from 2 submitters: Pathogenic (1); Uncertain significance (1). Last evaluated 2024-06-27.

Conditions:
Oculocutaneous albinism type 4 (OCA4). Also called: Albinism, oculocutaneous, type IV. Identifiers: Orphanet 79435, MedGen C1847836, MONDO:0011683, OMIM 606574.

gnomAD v4.1: 6 of 1,613,554 alleles (0.00037%); highest among the groups gnomAD compares: Non-Finnish European, 0.00051%; no homozygotes.

Submissions (2):

Women's Health and Genetics/Laboratory Corporation of America, LabCorp
Classification: Uncertain significance. Last evaluated: 2024-06-27. Review status: criteria provided, single submitter. Criteria: LabCorp Variant Classification Summary - May 2015. Collection method: clinical testing. Allele origin: germline.
Comment: Variant summary: SLC45A2 c.179T>G (p.Leu60Arg) results in a non-conservative amino acid change in the encoded protein sequence. Five of five in-silico tools predict a damaging effect of the variant on protein function. The variant allele was found at a frequency of 8e-06 in 248842 control chromosomes. c.179T>G has been reported in the literature in at least one compound heterozygous individual and one homozygous individual affected with Oculocutaneous albinism type 4 (e.g. Simeonov_2013, Moreno-Artero_2022). These data indicate that the variant may be associated with disease. To our knowledge, no experimental evidence demonstrating an impact on protein function has been reported. The following publications have been ascertained in the context of this evaluation (PMID: 36553465, 37707835, 23504663). No submitters have cited clinical-significance assessments for this variant to ClinVar. Based on the evidence outlined above, the variant was classified as VUS-possibly pathogenic.

Clinical Genetics Service, Universitary Hospital 12 de Octubre
Classification: Pathogenic for Oculocutaneous albinism type 4. Review status: criteria provided, single submitter. Criteria: ACMG Guidelines, 2015. Collection method: clinical testing. Allele origin: germline. Affected: yes.

Literature cited by the submitters: PubMed 23504663 (cited by Women's Health and Genetics/Laboratory Corporation of America, LabCorp); PubMed 36553465 (cited by Women's Health and Genetics/Laboratory Corporation of America, LabCorp); PubMed 37707835 (cited by Women's Health and Genetics/Laboratory Corporation of America, LabCorp).